The following is an entry in ClinVar:

NM_001079843.3(CASZ1):c.3515C>T (p.Thr1172Met)

Gene: CASZ1 (castor zinc finger 1; minus strand). Cytogenetic location: 1p36.22.
Variant type: single nucleotide variant.
Coding change: c.3515C>T on transcript NM_001079843.3 (MANE Select); coding-DNA position 3515, C replaced by T.
Protein change: p.Thr1172Met; replaces threonine 1172 with methionine.
Molecular consequence: missense variant.
Genome position (GRCh38, 1-based): chr1:10,646,309, G>A on the plus strand (C>T on the coding strand, the complement: CASZ1 is on the minus strand). VCF-style: chr1-10646309-G-A. GRCh37 (hg19) VCF-style: chr1-10706366-G-A.
Other names: short protein forms T1172M.
Identifiers: ClinVar variation 2723678 (VCV002723678.10), dbSNP rs746220263, ClinGen allele CA584478.

ClinVar aggregate classification (germline): Conflicting classifications of pathogenicity. Review status: criteria provided, conflicting classifications (1 of 4 stars). 3 submissions from 3 submitters: Uncertain significance (2); Likely benign (1). Last evaluated 2025-11-01.

Allele frequency attached by ClinVar (database versions not stated): ExAC 0.00003; TOPMed 0.00003; gnomAD 0.00005.
gnomAD v4.1: 31 of 1,614,036 alleles (0.0019%); highest among the groups gnomAD compares: Middle Eastern, 0.017%; no homozygotes.

Submissions (3):

CeGaT Center for Human Genetics Tuebingen
Classification: Likely benign. Last evaluated: 2025-11-01. Review status: criteria provided, single submitter. Criteria: CeGaT Center For Human Genetics Tuebingen Variant Classification Criteria Version 2. Collection method: clinical testing. Allele origin: germline. Affected: yes. Observed: 1 variant allele.
Comment: CASZ1: BS1

Labcorp Genetics (formerly Invitae), Labcorp
Classification: Uncertain significance. Last evaluated: 2025-10-14. Review status: criteria provided, single submitter. Criteria: Invitae Variant Classification Sherloc (09022015). Collection method: clinical testing. Allele origin: germline.
Comment: This sequence change replaces threonine, which is neutral and polar, with methionine, which is neutral and non-polar, at codon 1172 of the CASZ1 protein (p.Thr1172Met). This variant is present in population databases (rs746220263, gnomAD 0.006%). This variant has not been reported in the literature in individuals affected with CASZ1-related conditions. ClinVar contains an entry for this variant (Variation ID: 2723678). An algorithm developed to predict the effect of missense changes on protein structure and function (PolyPhen-2) suggests that this variant is likely to be disruptive. In summary, the available evidence is currently insufficient to determine the role of this variant in disease. Therefore, it has been classified as a Variant of Uncertain Significance.

Blueprint Genetics
Classification: Uncertain significance. Last evaluated: 2024-09-03. Review status: criteria provided, single submitter. Criteria: ACMG Guidelines, 2015. Collection method: clinical testing. Allele origin: germline.